The following is an entry in ClinVar:

NM_002476.2(MYL4):c.251C>T (p.Ala84Val)

Gene: MYL4 (myosin light chain 4; plus strand). Cytogenetic location: 17q21.32.
Variant type: single nucleotide variant.
Coding change: c.251C>T on transcript NM_002476.2 (MANE Select); coding-DNA position 251, C replaced by T.
Protein change: p.Ala84Val; replaces alanine 84 with valine.
Molecular consequence: missense variant.
Genome position (GRCh38, 1-based): chr17:47,219,991, C>T. VCF-style: chr17-47219991-C-T. GRCh37 (hg19) VCF-style: chr17-45297357-C-T.
Other names: c.251C>T, p.Ala84Val (NM_001002841.2); c.251C>T (NM_001002841.1); short protein forms A84V.
Identifiers: ClinVar variation 1056567 (VCV001056567.8), dbSNP rs2064843483, ClinGen allele CA400021117.
Genomic context (GRCh38, chr17:47,219,991, plus strand): 5'-ACCGGACCCCGACTGGAGAGATGAAGATCACCTACGGCCAGTGCGGGGATGTACTGCGGG[C>T]CCTGGGCCAGAACCCTACCAATGCCGAGGTGCTGCGTGTGCTGGGCAAGCCCAAGCCTGA-3'
Protein context (NP_002467.1, residues 74-94): TYGQCGDVLR[Ala84Val]LGQNPTNAEV

ClinVar aggregate classification (germline): Uncertain significance. Review status: criteria provided, multiple submitters, no conflicts (2 of 4 stars). 2 submissions from 2 submitters: Uncertain significance (2). Last evaluated 2024-09-11.

Conditions:
Atrial fibrillation, familial, 18 (ATFB18). Identifiers: MedGen C4310636, MONDO:0015001, OMIM 617280.

Allele frequency attached by ClinVar (database versions not stated): gnomAD exomes below 0.00001.
gnomAD v4.1: 1 of 1,614,210 alleles (0.000062%); highest among the groups gnomAD compares: Non-Finnish European, 0.000085%; no homozygotes.

Submissions (2):

Ambry Genetics
Classification: Uncertain significance. Last evaluated: 2024-09-11. Review status: criteria provided, single submitter. Criteria: Ambry Variant Classification Scheme 2023. Collection method: clinical testing. Allele origin: germline.

Labcorp Genetics (formerly Invitae), Labcorp
Classification: Uncertain significance for Atrial fibrillation, familial, 18. Last evaluated: 2024-07-01. Review status: criteria provided, single submitter. Criteria: Invitae Variant Classification Sherloc (09022015). Collection method: clinical testing. Allele origin: germline.
Comment: This sequence change replaces alanine, which is neutral and non-polar, with valine, which is neutral and non-polar, at codon 84 of the MYL4 protein (p.Ala84Val). This variant is not present in population databases (gnomAD no frequency). This variant has not been reported in the literature in individuals affected with MYL4-related conditions. ClinVar contains an entry for this variant (Variation ID: 1056567). An algorithm developed to predict the effect of missense changes on protein structure and function (PolyPhen-2) suggests that this variant is likely to be disruptive. In summary, the available evidence is currently insufficient to determine the role of this variant in disease. Therefore, it has been classified as a Variant of Uncertain Significance.